The following is an entry in ClinVar:

ClinVar aggregate classification (germline): Uncertain significance (1 of 4 stars; one submission).

Conditions:
Complex neurodevelopmental disorder with or without congenital anomalies. Identifiers: MedGen CN315647, MONDO:0100465.

gnomAD v4.1: 11 of 1,613,648 alleles (0.00068%); highest among the groups gnomAD compares: Admixed American, 0.0083%; no homozygotes.

Submission:

Dasa
Classification: Uncertain significance for complex neurodevelopmental disorder with or without congenital anomalies. Last evaluated: 2025-11-08. Review status: criteria provided, single submitter. Criteria: DASA Assertion Criteria. Collection method: clinical testing. Allele origin: germline.
Comment: NM_001256012.3(MYH10):c.2191C>T (p.Arg731Cys) is a missense variant that results in the substitution of arginine with cysteine. Published studies describe this variant in association with related phenotype (PMID: 25003005; PMID: 25356899; PMID: 30712878; PMID: 35980381). Also, this variant is rare in population databases. Computational prediction algorithms are consistent with a deleterious effect. The currently available literature and clinical evidence are not sufficient to establish a definitive association between this variant and the reported condition. Therefore, this variant is classified as a variant of uncertain significance.

Literature cited by the submitters: PubMed 25003005; PubMed 25356899; PubMed 30712878; PubMed 35980381.

NM_001256012.3(MYH10):c.2191C>T (p.Arg731Cys)

Gene: MYH10 (myosin heavy chain 10; minus strand). Cytogenetic location: 17p13.1.
Variant type: single nucleotide variant.
Coding change: c.2191C>T on transcript NM_001256012.3 (MANE Select); coding-DNA position 2191, C replaced by T.
Protein change: p.Arg731Cys; replaces arginine 731 with cysteine.
Molecular consequence: missense variant.
Genome position (GRCh38, 1-based): chr17:8,520,960, G>A on the plus strand (C>T on the coding strand, the complement: MYH10 is on the minus strand). VCF-style: chr17-8520960-G-A. GRCh37 (hg19) VCF-style: chr17-8424278-G-A.
Other names: c.2125C>T, p.Arg709Cys (NM_001256095.2); c.2128C>T, p.Arg710Cys (NM_001375266.1); c.2098C>T, p.Arg700Cys (NM_005964.5); short protein forms R700C, R709C, R710C, R731C.
Identifiers: ClinVar variation 4883405 (VCV004883405.2).